The following is an entry in ClinVar:

ClinVar aggregate classification (germline): Benign/Likely benign. Review status: criteria provided, multiple submitters, no conflicts (2 of 4 stars). 5 submissions from 5 submitters: Benign (2); Likely benign (3). Last evaluated 2026-01-26.

Conditions:
Combined immunodeficiency due to ZAP70 deficiency (IMD48). Also called: ZAP70 Deficiency; Immunodeficiency 48. Identifiers: Orphanet 911, MedGen C2931299, MONDO:0010023, OMIM 269840.

Allele frequency attached by ClinVar (database versions not stated): 1000 Genomes Project 0.00120; 1000 Genomes Project 30x 0.00125; TOPMed 0.00140; ESP Exome Variant Server 0.00161.
gnomAD v4.1: 491 of 1,614,172 alleles (0.03%); highest among the groups gnomAD compares: African/African-American, 0.52%; 2 homozygotes.

Submissions (5):

Labcorp Genetics (formerly Invitae), Labcorp
Classification: Benign for Combined immunodeficiency due to ZAP70 deficiency. Last evaluated: 2026-01-26. Review status: criteria provided, single submitter. Criteria: Invitae Variant Classification Sherloc (09022015). Collection method: clinical testing. Allele origin: germline.

Blueprint Genetics
Classification: Likely benign. Last evaluated: 2024-10-22. Review status: criteria provided, single submitter. Criteria: ACMG Guidelines, 2015. Collection method: clinical testing. Allele origin: germline.

Women's Health and Genetics/Laboratory Corporation of America, LabCorp
Classification: Benign. Last evaluated: 2020-11-20. Review status: criteria provided, single submitter. Criteria: LabCorp Variant Classification Summary - May 2015. Collection method: clinical testing. Allele origin: germline.

Illumina Laboratory Services, Illumina
Classification: Likely benign for Combined immunodeficiency due to ZAP70 deficiency. Last evaluated: 2017-04-27. Review status: criteria provided, single submitter. Criteria: ICSL Variant Classification Criteria 13 December 2019. Collection method: clinical testing. Allele origin: germline.
Comment: This variant was observed as part of a predisposition screen in an ostensibly healthy population. A literature search was performed for the gene, cDNA change, and amino acid change (where applicable). No publications were found based on this search. Allele frequency data from public databases allowed determination this variant is unlikely to cause disease. Therefore, this variant is classified as likely benign.

Breakthrough Genomics
Classification: Likely benign. Review status: criteria provided, single submitter. Criteria: ACMG Guidelines, 2015. Collection method: not provided. Allele origin: germline. Inheritance: Autosomal recessive inheritance. Affected: yes.

NM_001079.4(ZAP70):c.474C>T (p.His158=)

Gene: ZAP70 (zeta chain of T cell receptor associated protein kinase 70; plus strand). Cytogenetic location: 2q11.2.
Variant type: single nucleotide variant.
Coding change: c.474C>T on transcript NM_001079.4 (MANE Select); coding-DNA position 474, C replaced by T.
Protein change: p.His158=; no amino-acid change (histidine 158 retained).
Molecular consequence: synonymous variant.
Genome position (GRCh38, 1-based): chr2:97,725,163, C>T. VCF-style: chr2-97725163-C-T. GRCh37 (hg19) VCF-style: chr2-98341626-C-T.
Other names: c.474C>T, p.His158= (NM_001378594.1).
Identifiers: ClinVar variation 716835 (VCV000716835.17), dbSNP rs56404668, ClinGen allele CA1790101.